The following is an entry in ClinVar:

ClinVar aggregate classification (germline): Conflicting classifications of pathogenicity. Review status: criteria provided, conflicting classifications (1 of 4 stars). 5 submissions from 5 submitters: Uncertain significance (1); Likely benign (2). 2 of the submissions do not count toward it. Last evaluated 2026-01-14.

Conditions:
Usher syndrome type 1C. Also called: USHER SYNDROME, TYPE I, ACADIAN VARIETY. Identifiers: Orphanet 231169, Orphanet 886, MedGen C1848604, MONDO:0010171, OMIM 276904.
USH1C-related disorder. Also called: USH1C-related condition.

Allele frequency attached by ClinVar (database versions not stated): gnomAD 0.00006; ExAC 0.00012; TOPMed 0.00021; ESP Exome Variant Server 0.00031.
gnomAD v4.1: 402 of 1,567,126 alleles (0.026%); highest among the groups gnomAD compares: Non-Finnish European, 0.034%; no homozygotes.

Submissions (5):

Labcorp Genetics (formerly Invitae), Labcorp
Classification: Likely benign. Last evaluated: 2026-01-14. Review status: criteria provided, single submitter. Criteria: Invitae Variant Classification Sherloc (09022015). Collection method: clinical testing. Allele origin: germline.

Blueprint Genetics
Classification: Likely benign. Last evaluated: 2024-10-11. Review status: criteria provided, single submitter. Criteria: ACMG Guidelines, 2015. Collection method: clinical testing. Allele origin: germline.

Illumina Laboratory Services, Illumina
Classification: Uncertain significance for Usher syndrome type 1C. Last evaluated: 2018-01-12. Review status: criteria provided, single submitter. Criteria: ICSL Variant Classification Criteria 13 December 2019. Collection method: clinical testing. Allele origin: germline.

PreventionGenetics, part of Exact Sciences
Classification: Likely benign for USH1C-related condition. Last evaluated: 2020-06-23. Review status: no assertion criteria provided. Collection method: clinical testing. Allele origin: germline. Not counted in ClinVar's aggregate classification.
Comment: This variant is classified as likely benign based on ACMG/AMP sequence variant interpretation guidelines (Richards et al. 2015 PMID: 25741868, with internal and published modifications).

Natera, Inc.
Classification: Uncertain significance for Usher syndrome type 1C. Last evaluated: 2020-04-11. Review status: no assertion criteria provided. Collection method: clinical testing. Allele origin: germline. Not counted in ClinVar's aggregate classification.

NM_153676.4(USH1C):c.759+10G>T

Gene: USH1C (USH1 protein network component harmonin; minus strand). Cytogenetic location: 11p15.1.
Variant type: single nucleotide variant.
Coding change: c.759+10G>T on transcript NM_153676.4 (MANE Select); 10 bases into the intron after coding-DNA position 759, G replaced by T.
Molecular consequence: intron variant.
Genome position (GRCh38, 1-based): chr11:17,524,441, C>A on the plus strand (G>T on the coding strand, the complement: USH1C is on the minus strand). VCF-style: chr11-17524441-C-A. GRCh37 (hg19) VCF-style: chr11-17545988-C-A.
Other names: c.759+10G>T (NM_001297764.2, NM_005709.4, NM_153676.3).
Identifiers: ClinVar variation 303811 (VCV000303811.19), dbSNP rs368528034, ClinGen allele CA5904904.
Genomic context (GRCh38, chr11:17,524,441, plus strand): 5'-GTCACCGCGGGATCACAGTCTGACCCAATTTCCAGTGGGCCCCCACTGGGGCCGGCCCAG[C>A]GTCACTCACCTCCAATCCCACCTCAGCAGACAGGGAGCCAGGTTTCACATGGCTGATAAA-3'